The following is an entry in ClinVar:

ClinVar aggregate classification (germline): Uncertain significance (1 of 4 stars; one submission).

Conditions:
Intellectual developmental disorder, autosomal recessive 18, with or without epilepsy. Also called: Intellectual disability, autosomal recessive 18. Identifiers: Orphanet 88616, MedGen C3280265, MONDO:0013651, OMIM 614249.

Submission:

3billion
Classification: Uncertain significance for Intellectual developmental disorder, autosomal recessive 18, with or without epilepsy. Last evaluated: 2025-12-08. Review status: criteria provided, single submitter. Criteria: ACMG Guidelines, 2015. Collection method: clinical testing. Allele origin: germline. Affected: yes.
Comment: The variant is not observed in the gnomAD v4.1.0 dataset. Predicted Consequence/Location: Canonical splice site: predicted to alter splicing and result in a loss or disruption of normal protein function. Multiple pathogenic loss-of-function variants are reported downstream of the variant. In silico tools predict the variant to alter splicing and produce an abnormal transcript [SpliceAI: 0.99 (spliceogenicity >=0.2, non-spliceogenicity <0.1)]. Therefore, this variant is classified as Likely pathogenic according to the recommendation of ACMG/AMP guideline.

NM_004830.4(MED23):c.1614-6C>G

Gene: MED23 (mediator complex subunit 23; minus strand). Cytogenetic location: 6q23.2.
Variant type: single nucleotide variant.
Coding change: c.1614-6C>G on transcript NM_004830.4 (MANE Select); 6 bases into the intron before coding-DNA position 1614, C replaced by G.
Molecular consequence: intron variant.
Genome position (GRCh38, 1-based): chr6:131,604,326, G>C on the plus strand (C>G on the coding strand, the complement: MED23 is on the minus strand). VCF-style: chr6-131604326-G-C. GRCh37 (hg19) VCF-style: chr6-131925466-G-C.
Other names: c.1614-6C>G (NM_001270521.2, NM_001376524.1, NM_001376522.1 and 3 more transcripts); c.1632-6C>G (NM_015979.4, NM_001376517.1); c.1560-6C>G (NM_001376518.1); c.1359-6C>G (NM_001376523.1); c.1473-6C>G (NM_001376520.1).
Identifiers: ClinVar variation 4854875 (VCV004854875.1).